The following is an entry in ClinVar:

ClinVar aggregate classification (germline): Uncertain significance (1 of 4 stars; one submission).

Conditions:
Familial thoracic aortic aneurysm and aortic dissection (TAAD). Also called: Thoracic aortic aneurysms and dissections. Identifiers: Orphanet 91387, MedGen C4707243, MONDO:0019625.

Submission:

Ambry Genetics
Classification: Uncertain significance for Familial thoracic aortic aneurysm and aortic dissection. Last evaluated: 2024-03-11. Review status: criteria provided, single submitter. Criteria: Ambry Variant Classification Scheme 2023. Collection method: clinical testing. Allele origin: germline.
Comment: The p.N1462K variant (also known as c.4386C>G), located in coding exon 34 of the FBN2 gene, results from a C to G substitution at nucleotide position 4386. The asparagine at codon 1462 is replaced by lysine, an amino acid with similar properties. This amino acid position is well conserved in available vertebrate species. In addition, the in silico prediction for this alteration is inconclusive. Based on the available evidence, the clinical significance of this alteration remains unclear.

NM_001999.4(FBN2):c.4386C>G (p.Asn1462Lys)

Gene: FBN2 (fibrillin 2; minus strand). Cytogenetic location: 5q23.3.
Variant type: single nucleotide variant.
Coding change: c.4386C>G on transcript NM_001999.4 (MANE Select); coding-DNA position 4386, C replaced by G.
Protein change: p.Asn1462Lys; replaces asparagine 1462 with lysine.
Molecular consequence: missense variant.
Genome position (GRCh38, 1-based): chr5:128,328,781, G>C on the plus strand (C>G on the coding strand, the complement: FBN2 is on the minus strand). VCF-style: chr5-128328781-G-C. GRCh37 (hg19) VCF-style: chr5-127664473-G-C.
Other names: short protein forms N1462K.
Identifiers: ClinVar variation 3221964 (VCV003221964.1), dbSNP rs760886370, ClinGen allele CA360753073.